The following is an entry in ClinVar:

ClinVar aggregate classification (germline): Uncertain significance. Review status: criteria provided, multiple submitters, no conflicts (2 of 4 stars). 2 submissions from 2 submitters: Uncertain significance (2). Last evaluated 2024-10-04.

Conditions:
Cardiovascular phenotype. Identifiers: MedGen CN230736.

Submissions (2):

Labcorp Genetics (formerly Invitae), Labcorp
Classification: Uncertain significance. Last evaluated: 2024-10-04. Review status: criteria provided, single submitter. Criteria: Invitae Variant Classification Sherloc (09022015). Collection method: clinical testing. Allele origin: germline.
Comment: This sequence change replaces phenylalanine, which is neutral and non-polar, with serine, which is neutral and polar, at codon 191 of the TBX20 protein (p.Phe191Ser). This variant is not present in population databases (gnomAD no frequency). This variant has not been reported in the literature in individuals affected with TBX20-related conditions. ClinVar contains an entry for this variant (Variation ID: 1749327). Invitae Evidence Modeling of protein sequence and biophysical properties (such as structural, functional, and spatial information, amino acid conservation, physicochemical variation, residue mobility, and thermodynamic stability) indicates that this missense variant is not expected to disrupt TBX20 protein function with a negative predictive value of 80%. In summary, the available evidence is currently insufficient to determine the role of this variant in disease. Therefore, it has been classified as a Variant of Uncertain Significance.

Ambry Genetics
Classification: Uncertain significance for Cardiovascular phenotype. Last evaluated: 2022-10-02. Review status: criteria provided, single submitter. Criteria: Ambry Variant Classification Scheme 2023. Collection method: clinical testing. Allele origin: germline.
Comment: The p.F191S variant (also known as c.572T>C), located in coding exon 4 of the TBX20 gene, results from a T to C substitution at nucleotide position 572. The phenylalanine at codon 191 is replaced by serine, an amino acid with highly dissimilar properties. This amino acid position is conserved. In addition, this alteration is predicted to be deleterious by in silico analysis. Since supporting evidence is limited at this time, the clinical significance of this alteration remains unclear.

NM_001077653.2(TBX20):c.572T>C (p.Phe191Ser)

Gene: TBX20 (T-box transcription factor 20; minus strand). Cytogenetic location: 7p14.2.
Variant type: single nucleotide variant.
Coding change: c.572T>C on transcript NM_001077653.2 (MANE Select); coding-DNA position 572, T replaced by C.
Protein change: p.Phe191Ser; replaces phenylalanine 191 with serine.
Molecular consequence: missense variant.
Genome position (GRCh38, 1-based): chr7:35,245,031, A>G on the plus strand (T>C on the coding strand, the complement: TBX20 is on the minus strand). VCF-style: chr7-35245031-A-G. GRCh37 (hg19) VCF-style: chr7-35284643-A-G.
Other names: c.572T>C, p.Phe191Ser (NM_001166220.1); short protein forms F191S.
Identifiers: ClinVar variation 1749327 (VCV001749327.4), dbSNP rs1790153970, ClinGen allele CA367264444.
Genomic context (GRCh38, chr7:35,245,031, plus strand): 5'-TTGTTGGTGAGTTTCACCTTTTCAAAAGACACCATCTGTTTGAGTAGTTGCTCACCGGTA[A>G]AAGGAGAATCTGGATGCACATAGAGCCTAAGAAAATTAGGAGAAAACTTTATTGAGACTT-3'
Protein context (NP_001071121.1, residues 181-201): ARLYVHPDSP[Phe191Ser]TGEQLLKQMV